The following is an entry in ClinVar:

ClinVar aggregate classification (germline): Conflicting classifications of pathogenicity. Review status: criteria provided, conflicting classifications (1 of 4 stars). 2 submissions from 2 submitters: Uncertain significance (1); Likely benign (1). Last evaluated 2025-12-13.

Conditions:
Dyskeratosis congenita. Identifiers: Orphanet 1775, MedGen C0265965, MONDO:0015780.

Allele frequency attached by ClinVar (database versions not stated): gnomAD exomes 0.00003 and 0.00007; ExAC 0.00004; gnomAD 0.00021; TOPMed 0.00021; ESP Exome Variant Server 0.00048.

Submissions (2):

Labcorp Genetics (formerly Invitae), Labcorp
Classification: Likely benign for Dyskeratosis congenita. Last evaluated: 2025-12-13. Review status: criteria provided, single submitter. Criteria: Invitae Variant Classification Sherloc (09022015). Collection method: clinical testing. Allele origin: germline.

Sema4
Classification: Uncertain significance for Dyskeratosis congenita. Last evaluated: 2022-01-15. Review status: criteria provided, single submitter. Criteria: Sema4 Curation Guidelines. Collection method: curation. Allele origin: germline.
Comment: The CTC1 c.1333C>T (p.R445C) variant has been reported in heterozygosity in at least one individual with aplastic anemia and paroxysmal nocturnal haemoglobinuria (PMID: 30891747). This variant was observed in 19/24176 chromosomes in the African population, with no homozygotes, according to the Genome Aggregation Database (PMID: 32461654). It has also been reported in ClinVar (Variation ID: 855641). Functional studies have not been performed, and in silico predictions of the variant's effect on protein function are inconclusive. Based on the current evidence available, this variant is interpreted as a variant of uncertain significance.

Literature cited by the submitters: PubMed 30891747 (cited by Sema4).

NM_025099.6(CTC1):c.1333C>T (p.Arg445Cys)

Gene: CTC1 (CST telomere replication complex component 1; minus strand). Cytogenetic location: 17p13.1.
Variant type: single nucleotide variant.
Coding change: c.1333C>T on transcript NM_025099.6 (MANE Select); coding-DNA position 1333, C replaced by T.
Protein change: p.Arg445Cys; replaces arginine 445 with cysteine.
Molecular consequence: missense variant. On other transcripts: non-coding transcript variant (1).
Genome position (GRCh38, 1-based): chr17:8,235,159, G>A on the plus strand (C>T on the coding strand, the complement: CTC1 is on the minus strand). VCF-style: chr17-8235159-G-A. GRCh37 (hg19) VCF-style: chr17-8138477-G-A.
Other names: short protein forms R445C.
Identifiers: ClinVar variation 855641 (VCV000855641.9), dbSNP rs201273283, ClinGen allele CA8372383.